The following is an entry in ClinVar:

NM_021076.4(NEFH):c.443G>C (p.Arg148Pro)

Gene: NEFH (neurofilament heavy chain; plus strand). Cytogenetic location: 22q12.2.
Variant type: single nucleotide variant.
Coding change: c.443G>C on transcript NM_021076.4 (MANE Select); coding-DNA position 443, G replaced by C.
Protein change: p.Arg148Pro; replaces arginine 148 with proline.
Molecular consequence: missense variant.
Genome position (GRCh38, 1-based): chr22:29,480,705, G>C. VCF-style: chr22-29480705-G-C. GRCh37 (hg19) VCF-style: chr22-29876694-G-C.
Other names: short protein forms R148P.
Identifiers: ClinVar variation 2419182 (VCV002419182.6), dbSNP rs2517968815, ClinGen allele CA411122866.

ClinVar aggregate classification (germline): Uncertain significance (1 of 4 stars; one submission).

Allele frequency attached by ClinVar (database versions not stated): gnomAD exomes below 0.00001.
gnomAD v4.1: 6 of 1,519,392 alleles (0.00039%); highest among the groups gnomAD compares: Non-Finnish European, 0.00053%; no homozygotes.

Submission:

Labcorp Genetics (formerly Invitae), Labcorp
Classification: Uncertain significance. Last evaluated: 2024-08-06. Review status: criteria provided, single submitter. Criteria: Invitae Variant Classification Sherloc (09022015). Collection method: clinical testing. Allele origin: germline.
Comment: This sequence change replaces arginine, which is basic and polar, with proline, which is neutral and non-polar, at codon 148 of the NEFH protein (p.Arg148Pro). This variant is not present in population databases (gnomAD no frequency). This missense change has been observed in individual(s) with amyotrophic lateral sclerosis (PMID: 31475037). ClinVar contains an entry for this variant (Variation ID: 2419182). Advanced modeling of protein sequence and biophysical properties (such as structural, functional, and spatial information, amino acid conservation, physicochemical variation, residue mobility, and thermodynamic stability) performed at Invitae indicates that this missense variant is not expected to disrupt NEFH protein function with a negative predictive value of 95%. In summary, the available evidence is currently insufficient to determine the role of this variant in disease. Therefore, it has been classified as a Variant of Uncertain Significance.

Literature cited by the submitters: PubMed 31475037.